The following is an entry in ClinVar:

NM_018117.12(WDR11):c.2932A>C (p.Lys978Gln)

Gene: WDR11 (WD repeat domain 11; plus strand). Cytogenetic location: 10q26.12.
Variant type: single nucleotide variant.
Coding change: c.2932A>C on transcript NM_018117.12 (MANE Select); coding-DNA position 2932, A replaced by C.
Protein change: p.Lys978Gln; replaces lysine 978 with glutamine.
Molecular consequence: missense variant.
Genome position (GRCh38, 1-based): chr10:120,904,047, A>C. VCF-style: chr10-120904047-A-C. GRCh37 (hg19) VCF-style: chr10-122663559-A-C.
Other names: short protein forms K978Q.
Identifiers: ClinVar variation 68841 (VCV000068841.10), dbSNP rs144531702, ClinGen allele CA220080.

ClinVar aggregate classification (germline): Uncertain significance. Review status: criteria provided, multiple submitters, no conflicts (2 of 4 stars). 5 submissions from 5 submitters: Uncertain significance (4). 1 of the submissions does not count toward it. Last evaluated 2025-01-14.

Allele frequency attached by ClinVar (database versions not stated): gnomAD 0.00010; TOPMed 0.00013; gnomAD exomes 0.00018; ExAC 0.00020; ESP Exome Variant Server 0.00023.
gnomAD v4.1: 206 of 1,605,638 alleles (0.013%); highest among the groups gnomAD compares: Middle Eastern, 0.13%; no homozygotes.

Submissions (5):

Women's Health and Genetics/Laboratory Corporation of America, LabCorp
Classification: Uncertain significance. Last evaluated: 2025-01-14. Review status: criteria provided, single submitter. Criteria: LabCorp Variant Classification Summary - May 2015. Collection method: clinical testing. Allele origin: germline.
Comment: Variant summary: WDR11 c.2932A>C (p.Lys978Gln) results in a conservative amino acid change in the encoded protein sequence. Four of five in-silico tools predict a damaging effect of the variant on protein function. Consensus agreement among computation tools predict no significant impact on normal splicing. However, these predictions have yet to be confirmed by functional studies. The variant allele was found at a frequency of 0.00018 in 249696 control chromosomes. This frequency is not significantly higher than estimated for a pathogenic variant in WDR11 causing WDR11-Related Disorders, allowing no conclusion about variant significance. c.2932A>C has been reported in the literature in three heterozygous individuals affected with WDR11-Related Disorders; however, this variant has also been detected in two control subjects (Kim_2010, Federici_2022). These report(s) do not provide unequivocal conclusions about association of the variant with WDR11-Related Disorders. One experimental study has shown that this variant does not affect splicing in an in vitro exon trapping assay (Kim_2010). To our knowledge, no experimental evidence demonstrating an impact on protein function has been reported. The following publications have been ascertained in the context of this evaluation (PMID: 36531499, 20887964). ClinVar contains an entry for this variant (Variation ID: 68841). Based on the evidence outlined above, the variant was classified as uncertain significance.

GeneDx
Classification: Uncertain significance. Last evaluated: 2024-03-21. Review status: criteria provided, single submitter. Criteria: GeneDx Variant Classification Process June 2021. Collection method: clinical testing. Allele origin: germline. Affected: yes.
Comment: In silico analysis supports that this missense variant does not alter protein structure/function; This variant is associated with the following publications: (PMID: 20887964, 22035731)

Labcorp Genetics (formerly Invitae), Labcorp
Classification: Uncertain significance. Last evaluated: 2023-10-15. Review status: criteria provided, single submitter. Criteria: Invitae Variant Classification Sherloc (09022015). Collection method: clinical testing. Allele origin: germline.
Comment: This sequence change replaces lysine, which is basic and polar, with glutamine, which is neutral and polar, at codon 978 of the WDR11 protein (p.Lys978Gln). This variant is present in population databases (rs144531702, gnomAD 0.03%). This missense change has been observed in individual(s) with WDR11-related conditions (PMID: 20887964). ClinVar contains an entry for this variant (Variation ID: 68841). An algorithm developed to predict the effect of missense changes on protein structure and function (PolyPhen-2) suggests that this variant is likely to be tolerated. In summary, the available evidence is currently insufficient to determine the role of this variant in disease. Therefore, it has been classified as a Variant of Uncertain Significance.

Revvity Omics, Revvity
Classification: Uncertain significance. Last evaluated: 2021-09-20. Review status: criteria provided, single submitter. Criteria: ACMG Guidelines, 2015. Collection method: clinical testing. Allele origin: germline.

UniProtKB/Swiss-Prot
No classification provided. Review status: no classification provided. Collection method: not provided. Allele origin: not provided. Not counted in ClinVar's aggregate classification.

Literature cited by the submitters: PubMed 36531499 (cited by Women's Health and Genetics/Laboratory Corporation of America, LabCorp); PubMed 20887964 (cited by Women's Health and Genetics/Laboratory Corporation of America, LabCorp and Labcorp Genetics (formerly Invitae), Labcorp).